The following is an entry in ClinVar:

ClinVar aggregate classification (germline): Benign. Review status: criteria provided, single submitter (1 of 4 stars). 2 submissions from 2 submitters: Benign (1). 1 of the submissions does not count toward it. Last evaluated 2026-05-01.

Conditions:
KCNQ1-related disorder. Also called: KCNQ1-related condition; KCNQ1-related disorders. Identifiers: MedGen CN239322.

Allele frequency attached by ClinVar (database versions not stated): TOPMed 0.00116; gnomAD 0.00117; gnomAD exomes 0.00132.
gnomAD v4.1: 502 of 398,620 alleles (0.13%); highest among the groups gnomAD compares: Non-Finnish European, 0.19%; no homozygotes.

Submissions (2):

CeGaT Center for Human Genetics Tuebingen
Classification: Benign. Last evaluated: 2026-05-01. Review status: criteria provided, single submitter. Criteria: CeGaT Center For Human Genetics Tuebingen Variant Classification Criteria Version 2. Collection method: clinical testing. Allele origin: germline. Affected: yes. Observed: 7 variant alleles.
Comment: KCNQ1OT1: BS1, BS2

PreventionGenetics, part of Exact Sciences
Classification: Likely benign for KCNQ1-related condition. Last evaluated: 2020-01-03. Review status: no assertion criteria provided. Collection method: clinical testing. Allele origin: germline. Not counted in ClinVar's aggregate classification.
Comment: This variant is classified as likely benign based on ACMG/AMP sequence variant interpretation guidelines (Richards et al. 2015 PMID: 25741868, with internal and published modifications).

NM_000218.3(KCNQ1):c.1514+4764G>A

Genes: KCNQ1 (potassium voltage-gated channel subfamily Q member 1; plus strand), KCNQ1OT1 (KCNQ1 opposite strand/antisense transcript 1; minus strand). Cytogenetic location: 11p15.5.
Variant type: single nucleotide variant.
Coding change: c.1514+4764G>A on transcript NM_000218.3 (MANE Select); 4764 bases into the intron after coding-DNA position 1514, G replaced by A.
Molecular consequence: intron variant. On other transcripts: non-coding transcript variant (1).
Genome position (GRCh38, 1-based): chr11:2,666,845, G>A. VCF-style: chr11-2666845-G-A. GRCh37 (hg19) VCF-style: chr11-2688075-G-A.
Other names: c.1514+4764G>A (NM_000218.2); c.1244+4764G>A (NM_001406837.1); c.1418+4764G>A (NM_001406836.1); c.974+4764G>A (NM_001406838.1); c.1133+4764G>A (NM_181798.2).
Identifiers: ClinVar variation 2641460 (VCV002641460.25), dbSNP rs548596924, ClinGen allele CA216175176.